The following is an entry in ClinVar:

NM_000048.4(ASL):c.1255_1256del (p.Leu419fs)

Gene: ASL (argininosuccinate lyase; plus strand). Cytogenetic location: 7q11.21.
Variant type: Deletion.
Coding change: c.1255_1256del on transcript NM_000048.4 (MANE Select); coding-DNA positions 1255 to 1256, 2 bases deleted (CT; older notation c.1255_1256delCT).
Protein change: p.Leu419fs; shifts the reading frame from leucine 419.
Molecular consequence: frameshift variant.
Genome position (GRCh38, 1-based): chr7:66,092,772-66,092,773, CT deleted. VCF-style (leftmost placement, unchanged base first): chr7-66092771-CCT-C. GRCh37 (hg19) VCF-style: chr7-65557758-CCT-C.
Other names: c.1255_1256delCT (NM_000048.3); c.1255_1256del, p.Leu419fs (NM_001024943.2); c.1195_1196del, p.Leu399fs (NM_001024944.2); c.1177_1178del, p.Leu393fs (NM_001024946.2); short protein forms L419fs, L393fs, L399fs.
Identifiers: ClinVar variation 555167 (VCV000555167.19), dbSNP rs757109353, ClinGen allele CA4277367.

ClinVar aggregate classification (germline): Pathogenic/Likely pathogenic. Review status: criteria provided, multiple submitters, no conflicts (2 of 4 stars). 7 submissions from 7 submitters: Pathogenic (4); Likely pathogenic (2). 1 of the submissions does not count toward it. Last evaluated 2025-08-07.

Conditions:
Argininosuccinate lyase deficiency. Also called: ARGININOSUCCINIC ACID LYASE DEFICIENCY; Argininosuccinic aciduria; ASL DEFICIENCY. Identifiers: Orphanet 23, MedGen C0268547, MONDO:0008815, OMIM 207900, HP:0025630.

Allele frequency attached by ClinVar (database versions not stated): gnomAD exomes 0.00001; TOPMed below 0.00001; ExAC 0.00001.

Submissions (7):

GeneDx
Classification: Likely pathogenic. Last evaluated: 2025-08-07. Review status: criteria provided, single submitter. Criteria: GeneDx Variant Classification Process June 2021. Collection method: clinical testing. Allele origin: germline.
Comment: Observed with a pathogenic variant on the opposite allele (in trans) in patients with features of ASL-related argininosuccinic aciduria in published literature (PMID: 31943503, 24166829); Frameshift variant predicted to result in abnormal protein length as the last 46 amino acids are replaced with 53 different amino acids, and other similar variants have been reported in HGMD; Not observed at significant frequency in large population cohorts (gnomAD); This variant is associated with the following publications: (PMID: 24166829, 31943503)

Natera, Inc.
Classification: Pathogenic for Argininosuccinate lyase deficiency. Last evaluated: 2025-07-28. Review status: criteria provided, single submitter. Criteria: Natera Variant Classification Schema (03/2026). Collection method: clinical testing. Allele origin: germline.
Comment: The c.1255_1256delCT variant in ASL is a frameshift variant predicted to elongate the protein beyond the termination codon. This variant is expected to result in nonsense mediated decay, truncation, or a dysfunctional protein product. This variant is rare in the general population with a frequency below the threshold expected for the associated phenotype(s). This variant has been observed in one or more individuals affected with the associated recessive disease, as either homozygous or compound heterozygous with a second variant (PMID: 24166829). Given the available evidence, this variant is classified as Pathogenic.

Labcorp Genetics (formerly Invitae), Labcorp
Classification: Pathogenic for Argininosuccinate lyase deficiency. Last evaluated: 2024-05-28. Review status: criteria provided, single submitter. Criteria: Invitae Variant Classification Sherloc (09022015). Collection method: clinical testing. Allele origin: germline.
Comment: This sequence change results in a frameshift in the ASL gene (p.Leu419Valfs*54). While this is not anticipated to result in nonsense mediated decay, it is expected to disrupt the last 46 amino acid(s) of the ASL protein and extend the protein by 7 additional amino acid residues. This variant is present in population databases (rs757109353, gnomAD 0.006%). This frameshift has been observed in individual(s) with ASL-related conditions (PMID: 24166829). ClinVar contains an entry for this variant (Variation ID: 555167). Algorithms developed to predict the effect of variants on gene product structure and function are not available or were not evaluated for this variant. Experimental studies are conflicting or provide insufficient evidence to determine the effect of this variant on ASL function (PMID: 31943503). This variant disrupts a region of the ASL protein in which other variant(s) (p.Trp450*) have been determined to be pathogenic (PMID: 17326097, 19703900, 24166829, 26843370). This suggests that this is a clinically significant region of the protein, and that variants that disrupt it are likely to be disease-causing. For these reasons, this variant has been classified as Pathogenic.

Baylor Genetics
Classification: Pathogenic for Argininosuccinate lyase deficiency. Last evaluated: 2023-12-14. Review status: criteria provided, single submitter. Criteria: ACMG Guidelines, 2015. Collection method: clinical testing. Allele origin: unknown.

Women's Health and Genetics/Laboratory Corporation of America, LabCorp
Classification: Likely pathogenic for Argininosuccinate lyase deficiency. Last evaluated: 2022-08-16. Review status: criteria provided, single submitter. Criteria: LabCorp Variant Classification Summary - May 2015. Collection method: clinical testing. Allele origin: germline.
Comment: Variant summary: ASL c.1255_1256delCT (p.Leu419ValfsX54) causes a frameshift in the last exon that is not expected to cause nonsense mediated decay (NMD), but removes a part of the 464 amino acid long protein and replaces it with an incorrect sequence, resulting in an extension of the protein. This alteration eliminates a part of the C-terminal domain (amino acids 368-435; IPR029419). Truncating variants downstream from this position have been reported in affected individuals (HGMD). The variant allele was found at a frequency of 1.2e-05 in 250964 control chromosomes (gnomAD). This variant (or similar protein level truncations) has been reported in the literature in individuals affected with ASL deficiency (e.g. Balmer_2014, Zielonka_2020, Jin_2021). These data indicate that the variant may be associated with disease. To our knowledge, no experimental evidence demonstrating an impact on protein function has been reported for this variant in isolation. Four clinical diagnostic laboratories have submitted clinical-significance assessments for this variant to ClinVar after 2014 and all classified the variant as pathogenic (n=3) and likely pathogenic (n=1). Based on the evidence outlined above, the variant was classified as likely pathogenic.

Mendelics
Classification: Pathogenic for Argininosuccinate lyase deficiency. Last evaluated: 2019-05-28. Review status: criteria provided, single submitter. Criteria: Mendelics Assertion Criteria 2017. Collection method: clinical testing. Allele origin: unknown.

Counsyl
Classification: Likely pathogenic for Argininosuccinate lyase deficiency. Last evaluated: 2017-11-21. Review status: no assertion criteria provided. Collection method: clinical testing. Allele origin: unknown. Not counted in ClinVar's aggregate classification.

Literature cited by the submitters: PubMed 24166829 (cited by 4 submitters); PubMed 31943503 (cited by Labcorp Genetics (formerly Invitae), Labcorp and Women's Health and Genetics/Laboratory Corporation of America, LabCorp); PubMed 17326097 (cited by Labcorp Genetics (formerly Invitae), Labcorp); PubMed 19703900 (cited by Labcorp Genetics (formerly Invitae), Labcorp); PubMed 26843370 (cited by Labcorp Genetics (formerly Invitae), Labcorp); PubMed 33373331 (cited by Women's Health and Genetics/Laboratory Corporation of America, LabCorp).